The following is an entry in ClinVar:

ClinVar aggregate classification (germline): Uncertain significance (1 of 4 stars; one submission).

Submission:

Ambry Genetics
Classification: Uncertain significance. Last evaluated: 2021-12-10. Review status: criteria provided, single submitter. Criteria: Ambry Variant Classification Scheme 2023. Collection method: clinical testing. Allele origin: germline.
Comment: The p.S36A variant (also known as c.106T>G), located in coding exon 1 of the PALLD gene, results from a T to G substitution at nucleotide position 106. The serine at codon 36 is replaced by alanine, an amino acid with similar properties. This amino acid position is conserved. In addition, this alteration is predicted to be tolerated by in silico analysis. Since supporting evidence is limited at this time, the clinical significance of this alteration remains unclear.

NM_001166108.2(PALLD):c.1965-12925T>G

Gene: PALLD (palladin, cytoskeletal associated protein; plus strand). Cytogenetic location: 4q32.3.
Variant type: single nucleotide variant.
Coding change: c.1965-12925T>G on transcript NM_001166108.2 (MANE Select); 12925 bases into the intron before coding-DNA position 1965, T replaced by G.
Molecular consequence: intron variant. On other transcripts: missense variant (1).
Genome position (GRCh38, 1-based): chr4:168,877,997, T>G. VCF-style: chr4-168877997-T-G. GRCh37 (hg19) VCF-style: chr4-169799148-T-G.
Other names: c.106T>G, p.Ser36Ala (NM_001166110.2); c.1965-12925T>G (NM_016081.4); c.819-12925T>G (NM_001166109.2); c.-157-12925T>G (NM_001367570.1, NM_001367568.1, NM_001367567.1 and 1 more transcripts); short protein forms S36A.
Identifiers: ClinVar variation 1783119 (VCV001783119.2), dbSNP rs1752016118, ClinGen allele CA358795038.
Genomic context (GRCh38, chr4:168,877,997, plus strand): 5'-GGCTCCTTCAACTACGCGCGCCCCAAGCAGTTCATCGCCGCGCAGAACCTCGGGCCCGCG[T>G]CGGGCCACGGCACGCCGGCCTCCAGCCCCAGCTCGTCCAGCCTCCCGTCGCCCATGTCCC-3'